The following is an entry in ClinVar:

NM_006231.4(POLE):c.4390G>C (p.Ala1464Pro)

Gene: POLE (DNA polymerase epsilon, catalytic subunit; minus strand). Cytogenetic location: 12q24.33.
Variant type: single nucleotide variant.
Coding change: c.4390G>C on transcript NM_006231.4 (MANE Select); coding-DNA position 4390, G replaced by C.
Protein change: p.Ala1464Pro; replaces alanine 1464 with proline.
Molecular consequence: missense variant.
Genome position (GRCh38, 1-based): chr12:132,643,461, C>G on the plus strand (G>C on the coding strand, the complement: POLE is on the minus strand). VCF-style: chr12-132643461-C-G. GRCh37 (hg19) VCF-style: chr12-133220047-C-G.
Other names: short protein forms A1464P.
Identifiers: ClinVar variation 421914 (VCV000421914.14), dbSNP rs778717624, ClinGen allele CA6892867.

ClinVar aggregate classification (germline): Conflicting classifications of pathogenicity. Review status: criteria provided, conflicting classifications (1 of 4 stars). 3 submissions from 3 submitters: Uncertain significance (2); Likely benign (1). Last evaluated 2025-10-11.

Conditions:
Hereditary cancer-predisposing syndrome. Also called: Hereditary neoplastic syndrome; Neoplastic Syndromes, Hereditary; Tumor predisposition; Hereditary Cancer Syndrome. Identifiers: Orphanet 140162, MedGen C0027672, MeSH D009386, MONDO:0015356.

Allele frequency attached by ClinVar (database versions not stated): gnomAD exomes below 0.00001 and 0.00001; ExAC 0.00002.
gnomAD v4.1: 7 of 1,614,234 alleles (0.00043%); highest among the groups gnomAD compares: Non-Finnish European, 0.00059%; no homozygotes.

Submissions (3):

Labcorp Genetics (formerly Invitae), Labcorp
Classification: Uncertain significance. Last evaluated: 2025-10-11. Review status: criteria provided, single submitter. Criteria: Invitae Variant Classification Sherloc (09022015). Collection method: clinical testing. Allele origin: germline.
Comment: This sequence change replaces alanine, which is neutral and non-polar, with proline, which is neutral and non-polar, at codon 1464 of the POLE protein (p.Ala1464Pro). This variant is present in population databases (rs778717624, gnomAD 0.002%). This variant has not been reported in the literature in individuals affected with POLE-related conditions. ClinVar contains an entry for this variant (Variation ID: 421914). Invitae Evidence Modeling of protein sequence and biophysical properties (such as structural, functional, and spatial information, amino acid conservation, physicochemical variation, residue mobility, and thermodynamic stability) indicates that this missense variant is not expected to disrupt POLE protein function with a negative predictive value of 80%. In summary, the available evidence is currently insufficient to determine the role of this variant in disease. Therefore, it has been classified as a Variant of Uncertain Significance.

Ambry Genetics
Classification: Likely benign for Hereditary cancer-predisposing syndrome. Last evaluated: 2025-08-05. Review status: criteria provided, single submitter. Criteria: Ambry Variant Classification Scheme 2023. Collection method: clinical testing. Allele origin: germline.

GeneDx
Classification: Uncertain significance. Last evaluated: 2023-06-22. Review status: criteria provided, single submitter. Criteria: GeneDx Variant Classification Process June 2021. Collection method: clinical testing. Allele origin: germline. Affected: yes.
Comment: Not observed at significant frequency in large population cohorts (gnomAD); In silico analysis supports that this missense variant does not alter protein structure/function; Has not been previously published as pathogenic or benign to our knowledge